The following is an entry in ClinVar:

NM_022765.4(MICAL1):c.2263G>A (p.Asp755Asn)

Gene: MICAL1 (microtubule associated monooxygenase, calponin and LIM domain containing 1; minus strand). Cytogenetic location: 6q21.
Variant type: single nucleotide variant.
Coding change: c.2263G>A on transcript NM_022765.4 (MANE Select); coding-DNA position 2263, G replaced by A.
Protein change: p.Asp755Asn; replaces aspartic acid 755 with asparagine.
Molecular consequence: missense variant.
Genome position (GRCh38, 1-based): chr6:109,446,737, C>T on the plus strand (G>A on the coding strand, the complement: MICAL1 is on the minus strand). VCF-style: chr6-109446737-C-T. GRCh37 (hg19) VCF-style: chr6-109767940-C-T.
Other names: c.2005G>A, p.Asp669Asn (NM_001159291.2); c.2320G>A, p.Asp774Asn (NM_001286613.2); short protein forms D774N, D755N, D669N.
Identifiers: ClinVar variation 2896841 (VCV002896841.3), dbSNP rs765514022, ClinGen allele CA3952997.

ClinVar aggregate classification (germline): Uncertain significance (1 of 4 stars; one submission).

Allele frequency attached by ClinVar (database versions not stated): gnomAD exomes below 0.00001; gnomAD 0.00001; ExAC 0.00002; TOPMed 0.00002.
gnomAD v4.1: 2 of 1,613,738 alleles (0.00012%); highest among the groups gnomAD compares: African/African-American, 0.0027%; no homozygotes.

Submission:

Labcorp Genetics (formerly Invitae), Labcorp
Classification: Uncertain significance. Last evaluated: 2024-02-07. Review status: criteria provided, single submitter. Criteria: Invitae Variant Classification Sherloc (09022015). Collection method: clinical testing. Allele origin: germline.
Comment: This sequence change replaces aspartic acid, which is acidic and polar, with asparagine, which is neutral and polar, at codon 774 of the MICAL1 protein (p.Asp774Asn). This variant is present in population databases (rs765514022, gnomAD 0.007%). This variant has not been reported in the literature in individuals affected with MICAL1-related conditions. An algorithm developed to predict the effect of missense changes on protein structure and function (PolyPhen-2) suggests that this variant is likely to be tolerated. In summary, the available evidence is currently insufficient to determine the role of this variant in disease. Therefore, it has been classified as a Variant of Uncertain Significance.